The following is an entry in ClinVar:

ClinVar aggregate classification (germline): Benign. Review status: criteria provided, multiple submitters, no conflicts (2 of 4 stars). 2 submissions from 2 submitters: Benign (2). Last evaluated 2018-01-13.

Conditions:
Danon disease. Also called: PSEUDOGLYCOGENOSIS II; GSD IIb; LYSOSOMAL GLYCOGEN STORAGE DISEASE WITHOUT ACID MALTASE DEFICIENCY; Glycogen Storage Disease Type IIb; ANTOPOL DISEASE. Identifiers: Orphanet 34587, MedGen C0878677, MONDO:0010281, OMIM 300257.

Allele frequency attached by ClinVar (database versions not stated): gnomAD exomes 0.00016; ExAC 0.00025; TOPMed 0.00054; gnomAD 0.00063 and 0.00067; ESP Exome Variant Server 0.00085.
gnomAD v4.1: 122 of 1,184,659 alleles (0.01%); highest among the groups gnomAD compares: African/African-American, 0.19%; no homozygotes.

Submissions (2):

Illumina Laboratory Services, Illumina
Classification: Benign for Danon disease. Last evaluated: 2018-01-13. Review status: criteria provided, single submitter. Criteria: ICSL Variant Classification Criteria 13 December 2019. Collection method: clinical testing. Allele origin: germline.
Comment: This variant was observed in the ICSL laboratory as part of a predisposition screen in an ostensibly healthy population. It had not been previously curated by ICSL or reported in the Human Gene Mutation Database (HGMD: prior to June 1st, 2018), and was therefore a candidate for classification through an automated scoring system. Utilizing variant allele frequency, disease prevalence and penetrance estimates, and inheritance mode, an automated score was calculated to assess if this variant is too frequent to cause the disease. Based on the score and internal cut-off values, a variant classified as benign is not then subjected to further curation. The score for this variant resulted in a classification of benign for this disease.

GeneDx
Classification: Benign. Last evaluated: 2014-04-28. Review status: criteria provided, single submitter. Criteria: GeneDx Variant Classification (06012015). Collection method: clinical testing. Allele origin: germline. Affected: yes.
Comment: This variant is considered likely benign or benign based on one or more of the following criteria: it is a conservative change, it occurs at a poorly conserved position in the protein, it is predicted to be benign by multiple in silico algorithms, and/or has population frequency not consistent with disease.

NM_002294.3(LAMP2):c.-33C>T

Gene: LAMP2 (lysosome associated membrane protein 2; minus strand). Cytogenetic location: Xq24.
Variant type: single nucleotide variant.
Coding change: c.-33C>T on transcript NM_002294.3 (MANE Select); 33 bases upstream of the start codon, C replaced by T.
Molecular consequence: 5 prime UTR variant.
Genome position (GRCh38, 1-based): chrX:120,469,202, G>A on the plus strand (C>T on the coding strand, the complement: LAMP2 is on the minus strand). VCF-style: chrX-120469202-G-A. GRCh37 (hg19) VCF-style: chrX-119603057-G-A.
Other names: c.-33C>T (NM_001122606.1, NM_013995.2).
Identifiers: ClinVar variation 138072 (VCV000138072.5), dbSNP rs368403767, ClinGen allele CA333110.